The following is an entry in ClinVar:

NM_018100.4(EFHC1):c.1117G>T (p.Glu373Ter)

Gene: EFHC1 (EF-hand domain containing 1; plus strand). Cytogenetic location: 6p12.2.
Variant type: single nucleotide variant.
Coding change: c.1117G>T on transcript NM_018100.4 (MANE Select); coding-DNA position 1117, G replaced by T.
Protein change: p.Glu373Ter; replaces glutamic acid 373 with a stop codon.
Molecular consequence: nonsense. On other transcripts: non-coding transcript variant (1).
Genome position (GRCh38, 1-based): chr6:52,465,095, G>T. VCF-style: chr6-52465095-G-T. GRCh37 (hg19) VCF-style: chr6-52329893-G-T.
Other names: c.1060G>T, p.Glu354Ter (NM_001172420.2); short protein forms E354*, E373*.
Identifiers: ClinVar variation 1035287 (VCV001035287.8), dbSNP rs1765273374, ClinGen allele CA364455845.
Genomic context (GRCh38, chr6:52,465,095, plus strand): 5'-CGGTATTACAAAGAGAAGTTTGGAATCACTGATTTACCACGTATTGATGTGAGCAAGCGG[G>T]AACCACCTCCAGTAAAACAGGTAATCAGATAGTACTTCTTAGTGTGGTGAGAAAACTAAT-3'

ClinVar aggregate classification (germline): Uncertain significance (1 of 4 stars; one submission).

Conditions:
Absence seizure. Also called: Absence epilepsy. Identifiers: Orphanet 1941, MedGen C0014553.
Myoclonic epilepsy, juvenile, susceptibility to, 1. Also called: Myoclonic Epilepsy, Juvenile, 1; EJM1. Identifiers: MedGen C1850778, MONDO:0020752, OMIM 254770.

Submission:

Labcorp Genetics (formerly Invitae), Labcorp
Classification: Uncertain significance for Myoclonic epilepsy, juvenile, susceptibility to, 1; Absence seizure. Last evaluated: 2020-06-12. Review status: criteria provided, single submitter. Criteria: Invitae Variant Classification Sherloc (09022015). Collection method: clinical testing. Allele origin: germline.
Comment: Algorithms developed to predict the effect of sequence changes on RNA splicing suggest that this variant may create or strengthen a splice site, but this prediction has not been confirmed by published transcriptional studies. In summary, the available evidence is currently insufficient to determine the role of this variant in disease. Therefore, it has been classified as a Variant of Uncertain Significance. The current clinical and genetic evidence is not sufficient to establish whether loss-of-function variants in EFHC1 cause disease. This variant has not been reported in the literature in individuals with EFHC1-related conditions. This variant is not present in population databases (ExAC no frequency). This sequence change creates a premature translational stop signal (p.Glu373*) in the EFHC1 gene. It is expected to result in an absent or disrupted protein product.